The following is an entry in ClinVar:

ClinVar aggregate classification (germline): Likely benign. Review status: criteria provided, multiple submitters, no conflicts (2 of 4 stars). 2 submissions from 2 submitters: Likely benign (2). Last evaluated 2024-09-05.

Allele frequency attached by ClinVar (database versions not stated): gnomAD exomes 0.00007; gnomAD 0.00009; ExAC 0.00014; ESP Exome Variant Server 0.00015; 1000 Genomes Project 30x 0.00031; TOPMed 0.00036; 1000 Genomes Project 0.00040.
gnomAD v4.1: 151 of 1,613,386 alleles (0.0094%); highest among the groups gnomAD compares: Non-Finnish European, 0.0087%; no homozygotes.

Submissions (2):

Blueprint Genetics
Classification: Likely benign. Last evaluated: 2024-09-05. Review status: criteria provided, single submitter. Criteria: ACMG Guidelines, 2015. Collection method: clinical testing. Allele origin: germline.

CeGaT Center for Human Genetics Tuebingen
Classification: Likely benign. Last evaluated: 2022-03-01. Review status: criteria provided, single submitter. Criteria: CeGaT Center For Human Genetics Tuebingen Variant Classification Criteria Version 2. Collection method: clinical testing. Allele origin: germline. Affected: yes. Observed: 1 variant allele.
Comment: FDXR: BP4, BP7

NM_024417.5(FDXR):c.570C>T (p.Asp190=)

Gene: FDXR (ferredoxin reductase; minus strand). Cytogenetic location: 17q25.1.
Variant type: single nucleotide variant.
Coding change: c.570C>T on transcript NM_024417.5 (MANE Select); coding-DNA position 570, C replaced by T.
Protein change: p.Asp190=; no amino-acid change (aspartic acid 190 retained).
Molecular consequence: synonymous variant. On other transcripts: non-coding transcript variant (1).
Genome position (GRCh38, 1-based): chr17:74,865,758, G>A on the plus strand (C>T on the coding strand, the complement: FDXR is on the minus strand). VCF-style: chr17-74865758-G-A. GRCh37 (hg19) VCF-style: chr17-72861880-G-A.
Other names: c.699C>T, p.Asp233= (NM_001258012.4); c.663C>T, p.Asp221= (NM_001258013.4); c.546C>T, p.Asp182= (NM_001258014.4); c.450C>T, p.Asp150= (NM_001258015.3); c.414C>T, p.Asp138= (NM_001258016.3); c.570C>T, p.Asp190= (NM_004110.6).
Identifiers: ClinVar variation 2648239 (VCV002648239.25), dbSNP rs200642785, ClinGen allele CA8753152.